The following is an entry in ClinVar:

NM_004356.4(CD81):c.644T>C (p.Ile215Thr)

Gene: CD81 (CD81 molecule; plus strand). Cytogenetic location: 11p15.5.
Variant type: single nucleotide variant.
Coding change: c.644T>C on transcript NM_004356.4 (MANE Select); coding-DNA position 644, T replaced by C.
Protein change: p.Ile215Thr; replaces isoleucine 215 with threonine.
Molecular consequence: missense variant.
Genome position (GRCh38, 1-based): chr11:2,396,710, T>C. VCF-style: chr11-2396710-T-C. GRCh37 (hg19) VCF-style: chr11-2417940-T-C.
Other names: c.431T>C, p.Ile144Thr (NM_001297649.2, NM_001425129.1, NM_001425130.1 and 3 more transcripts); c.767T>C, p.Ile256Thr (NM_001425135.1); c.641T>C, p.Ile214Thr (NM_001425137.1); c.428T>C, p.Ile143Thr (NM_001425138.1); short protein forms I143T, I144T, I214T, I215T, I256T.
Identifiers: ClinVar variation 4807890 (VCV004807890.1).

ClinVar aggregate classification (germline): Uncertain significance (1 of 4 stars; one submission).

Submission:

Labcorp Genetics (formerly Invitae), Labcorp
Classification: Uncertain significance. Last evaluated: 2025-10-20. Review status: criteria provided, single submitter. Criteria: Invitae Variant Classification Sherloc (09022015). Collection method: clinical testing. Allele origin: germline.
Comment: This sequence change replaces isoleucine, which is neutral and non-polar, with threonine, which is neutral and polar, at codon 215 of the CD81 protein (p.Ile215Thr). This variant is not present in population databases (gnomAD no frequency). This variant has not been reported in the literature in individuals affected with CD81-related conditions. An algorithm developed to predict the effect of missense changes on protein structure and function (PolyPhen-2) suggests that this variant is likely to be disruptive. In summary, the available evidence is currently insufficient to determine the role of this variant in disease. Therefore, it has been classified as a Variant of Uncertain Significance.